The following is an entry in ClinVar:

NM_033337.3(CAV3):c.159C>G (p.Ser53Arg)

Genes: CAV3 (caveolin 3; plus strand), OXTR (oxytocin receptor; minus strand). Cytogenetic location: 3p25.3.
Variant type: single nucleotide variant.
Coding change: c.159C>G on transcript NM_033337.3 (MANE Select); coding-DNA position 159, C replaced by G.
Protein change: p.Ser53Arg; replaces serine 53 with arginine.
Molecular consequence: missense variant.
Genome position (GRCh38, 1-based): chr3:8,745,570, C>G. VCF-style: chr3-8745570-C-G. GRCh37 (hg19) VCF-style: chr3-8787256-C-G.
Other names: c.159C>G, p.Ser53Arg (NM_001234.5); short protein forms S53R.
Identifiers: ClinVar variation 966710 (VCV000966710.7), dbSNP rs1708129927, ClinGen allele CA351663197.

ClinVar aggregate classification (germline): Uncertain significance (1 of 4 stars; one submission).

Conditions:
Long QT syndrome (LQTS). Identifiers: MedGen C0023976, MeSH D008133, MONDO:0002442. Disease mechanism: loss of function. Inheritance: Various modes of inheritance.

Submission:

Labcorp Genetics (formerly Invitae), Labcorp
Classification: Uncertain significance for Long QT syndrome. Last evaluated: 2021-01-14. Review status: criteria provided, single submitter. Criteria: Invitae Variant Classification Sherloc (09022015). Collection method: clinical testing. Allele origin: germline.
Comment: In summary, the available evidence is currently insufficient to determine the role of this variant in disease. Therefore, it has been classified as a Variant of Uncertain Significance. Algorithms developed to predict the effect of sequence changes on RNA splicing suggest that this variant may create or strengthen a splice site, but this prediction has not been confirmed by published transcriptional studies. Algorithms developed to predict the effect of missense changes on protein structure and function (SIFT, PolyPhen-2, Align-GVGD) all suggest that this variant is likely to be disruptive, but these predictions have not been confirmed by published functional studies and their clinical significance is uncertain. This variant has not been reported in the literature in individuals with CAV3-related conditions. This variant is not present in population databases (ExAC no frequency). This sequence change replaces serine with arginine at codon 53 of the CAV3 protein (p.Ser53Arg). The serine residue is highly conserved and there is a moderate physicochemical difference between serine and arginine.